The following is an entry in ClinVar:

NM_000143.4(FH):c.1189G>A (p.Gly397Arg)

Gene: FH (fumarate hydratase; minus strand). Cytogenetic location: 1q43.
Variant type: single nucleotide variant.
Coding change: c.1189G>A on transcript NM_000143.4 (MANE Select); coding-DNA position 1189, G replaced by A.
Protein change: p.Gly397Arg; replaces glycine 397 with arginine.
Molecular consequence: missense variant.
Genome position (GRCh38, 1-based): chr1:241,502,490, C>T on the plus strand (G>A on the coding strand, the complement: FH is on the minus strand). VCF-style: chr1-241502490-C-T. GRCh37 (hg19) VCF-style: chr1-241665790-C-T.
Other names: p.G397R:GGA>AGA; short protein forms G397R.
Identifiers: ClinVar variation 214422 (VCV000214422.39), dbSNP rs863224007, ClinGen allele CA325330.
Genomic context (GRCh38, chr1:241,502,490, plus strand): 5'-ATTTAAAGCTTACCATCATTGGCTTGAAAACATTCAACTCAAAATGTCCATTGCTGCCTC[C>T]GACAGTGACAGCAACATGGTTCCCCATGACTTGGGCTGCAACCATGGTCATTGCTTCACA-3'
Protein context (NP_000134.2, residues 387-407): VMGNHVAVTV[Gly397Arg]GSNGHFELNV

ClinVar aggregate classification (germline): Pathogenic/Likely pathogenic. Review status: criteria provided, multiple submitters, no conflicts (2 of 4 stars). 17 submissions from 17 submitters: Pathogenic (11); Likely pathogenic (3). 3 of the submissions do not count toward it. Last evaluated 2026-01-14.

Conditions:
Hereditary leiomyomatosis and renal cell cancer. Also called: Reed syndrome; Multiple cutaneous and uterine leiomyomatosis; Cutaneous leiomyomata with uterine leiomyomata; Leiomyoma, hereditary multiple, of skin; Multiple cutaneous and uterine leiomyomata; MULTIPLE CUTANEOUS AND UTERINE LEIOMYOMATA 1, WITH OR WITHOUT RENAL CELL CARCINOMA. Identifiers: Orphanet 523, MedGen C1708350, MONDO:0007888, OMIM 150800, HP:0007437. Disease mechanism: loss of function.
Fumarase deficiency (FMRD). Also called: Fumaric aciduria; Fumarate Hydratase Deficiency. Identifiers: Orphanet 24, MedGen C0342770, MONDO:0011730, OMIM 606812.
Hereditary cancer-predisposing syndrome. Also called: Neoplastic Syndromes, Hereditary; Tumor predisposition; Hereditary Cancer Syndrome; Hereditary neoplastic syndrome. Identifiers: Orphanet 140162, MedGen C0027672, MeSH D009386, MONDO:0015356.

Allele frequency attached by ClinVar (database versions not stated): gnomAD exomes below 0.00001 and 0.00001; gnomAD 0.00001; TOPMed 0.00002.
gnomAD v4.1: 10 of 1,613,636 alleles (0.00062%); highest among the groups gnomAD compares: African/African-American, 0.0013%; no homozygotes.

Submissions 1 to 10 of 17:

Labcorp Genetics (formerly Invitae), Labcorp
Classification: Pathogenic. Last evaluated: 2026-01-14. Review status: criteria provided, single submitter. Criteria: Invitae Variant Classification Sherloc (09022015). Collection method: clinical testing. Allele origin: germline.
Comment: This sequence change replaces glycine, which is neutral and non-polar, with arginine, which is basic and polar, at codon 397 of the FH protein (p.Gly397Arg). This variant is present in population databases (no rsID available, gnomAD no frequency). This missense change has been observed in individual(s) with hereditary leiomyomatosis and renal cell cancer (HLRCC) (PMID: 12761039, 19967458, 20618355, 21398687). It has also been observed to segregate with disease in related individuals. This variant is also known as c.1060G>A (p.Gly354Arg). ClinVar contains an entry for this variant (Variation ID: 214422). Invitae Evidence Modeling of protein sequence and biophysical properties (such as structural, functional, and spatial information, amino acid conservation, physicochemical variation, residue mobility, and thermodynamic stability) indicates that this missense variant is expected to disrupt FH protein function with a positive predictive value of 95%. Experimental studies have shown that this missense change affects FH function (PMID: 21398687). For these reasons, this variant has been classified as Pathogenic.

Molecular Pathology, Peter Maccallum Cancer Centre
Classification: Pathogenic for Hereditary leiomyomatosis and renal cell cancer. Last evaluated: 2024-05-24. Review status: criteria provided, single submitter. Criteria: ACMG Guidelines, 2015. Collection method: clinical testing. Allele origin: germline. Inheritance: Autosomal dominant inheritance.

Ambry Genetics
Classification: Pathogenic for Hereditary cancer-predisposing syndrome. Last evaluated: 2024-04-26. Review status: criteria provided, single submitter. Criteria: Ambry Variant Classification Scheme 2023. Collection method: clinical testing. Allele origin: germline.
Comment: The p.G397R pathogenic mutation (also known as c.1189G>A), located in coding exon 8 of the FH gene, results from a G to A substitution at nucleotide position 1189. The glycine at codon 397 is replaced by arginine, an amino acid with dissimilar properties. This pathogenic mutation has been reported in numerous individuals diagnosed with HLRCC or the MCUL (multiple cutaneous and uterine leiomymata) phenotype (Alam NA et al. Hum. Mol. Genet. 2003 Jun;12:1241-52; Badeloe S et al. Br. J. Dermatol. 2009 Mar;160:707-9; Alrashdi I et al. Fam. Cancer. 2010 Jun;9:239-43; Smit DL et al. Clin. Genet. 2011 Jan;79:49-59; Bardella C et al. J Pathol, 2011 Sep;225:4-11; Chen YB et al. Am J Surg Pathol, 2014 May;38:627-37; Trpkov K et al. Am J Surg Pathol, 2016 07;40:865-75; Casey RT et al. Clin Cancer Res, 2020 01;26:391-396). In one study, roughly 50% of FH enzymatic activity in peripheral blood lymphocytes was seen in two out of four French HLRCC patients who carry this FH mutation (Gardie B et al. J. Med. Genet. 2011 Apr;48:226-34). In addition, the p.G397R alteration is predicted to destabilize the local structure and protein-protein interactions of the FH protein (internal Ambry structural data). Of note, this pathogenic mutation is also known as p.G354R (c.1060G>A) in the literature. This amino acid position is highly conserved in available vertebrate species. In addition, this alteration is predicted to be deleterious by in silico analysis. Based on the supporting evidence, this alteration is interpreted as a disease-causing mutation.

Fulgent Genetics
Classification: Pathogenic for Hereditary leiomyomatosis and renal cell cancer; Fumarase deficiency. Last evaluated: 2024-04-15. Review status: criteria provided, single submitter. Criteria: ACMG Guidelines, 2015. Collection method: clinical testing. Allele origin: germline.

Baylor Genetics
Classification: Likely pathogenic for Fumarase deficiency. Last evaluated: 2024-02-03. Review status: criteria provided, single submitter. Criteria: ACMG Guidelines, 2015. Collection method: clinical testing. Allele origin: unknown.

Myriad Genetics, Inc.
Classification: Pathogenic for Hereditary leiomyomatosis and renal cell cancer. Last evaluated: 2023-07-06. Review status: criteria provided, single submitter. Criteria: Myriad Autosomal Dominant, Autosomal Recessive and X-Linked Classification Criteria (2023). Collection method: clinical testing. Allele origin: unknown.
Comment: This variant is considered pathogenic. This variant has been reported in multiple individuals with clinical features of gene-specific disease [PMID: 19967458, 20618355, 12761039, 16237213, 21398687, 31831373, 24441663]. This variant is expected to disrupt protein structure [Myriad internal data].

Institute for Genomic Medicine (IGM) Clinical Laboratory, Nationwide Children's Hospital
Classification: Pathogenic for Hereditary leiomyomatosis and renal cell cancer. Last evaluated: 2023-06-01. Review status: criteria provided, single submitter. Criteria: ACMG Guidelines, 2015. Collection method: clinical testing. Allele origin: germline.
Comment: Well-established functional studies have demonstrated this variant to have a damaging effect on protein function or splicing (ACMG/AMP: PS3_Moderate; PMID:21398687). This variant has been reported at an elevated frequency in affected individuals/in multiple affected individuals in the literature (ACMG/AMP: PS4; PMIDs:12761039, 19967458, 20618355, 21398687). This variant is absent from or present at an exceedingly low frequency in gnomAD, a large-scale control population database (ACMG/AMP: PM2). This variant has been shown to segregate with disease in multiple affected family members (ACMG/AMP: PP1; PMIDs:12761039, 20618355). This variant is predicted to alter protein function or structure, or disrupt splicing by multiple in silico tools (ACMG/AMP: PP3).

Laboratoire de Génétique Moléculaire, CHU Bordeaux
Classification: Pathogenic for Fumarase deficiency. Last evaluated: 2023-05-30. Review status: criteria provided, single submitter. Criteria: ACMG Guidelines, 2015. Collection method: clinical testing. Allele origin: germline. Affected: yes.

GeneDx
Classification: Pathogenic. Last evaluated: 2023-05-22. Review status: criteria provided, single submitter. Criteria: GeneDx Variant Classification Process June 2021. Collection method: clinical testing. Allele origin: germline. Affected: yes.
Comment: Observed in the heterozygous state in multiple unrelated patients with Hereditary Leiomyomatosis and Renal Cell Cancer (HLRCC) and tumor studies consistent with pathogenic variants in this gene (Alam et al., 2003; Badeloe et al., 2009; Alrashdi et al., 2010; Smit et al., 2011; Kovac et al., 2015; Trpkov et al., 2016; Chan et al., 2019; Pivovarcikova et al., 2019; Casey et al., 2020); In silico analysis supports that this missense variant has a deleterious effect on protein structure/function; Not observed at significant frequency in large population cohorts (gnomAD); Also known as c.1060G>A, p.(Gly354Arg); This variant is associated with the following publications: (PMID: 20618355, 19183174, 25790038, 19967458, 28748451, 31162287, 26900816, 31636096, 31842557, 21398687, 33938658, 21445611, 12761039, 35971132, 34189567)

Quest Diagnostics Nichols Institute San Juan Capistrano
Classification: Pathogenic. Last evaluated: 2023-01-30. Review status: criteria provided, single submitter. Criteria: Quest Diagnostics criteria. Collection method: clinical testing. Allele origin: unknown.
Comment: The frequency of this variant in the general population, 0.000004 (1/251386 chromosomes), is uninformative in assessment of its pathogenicity. In the published literature, the variant has been reported in multiple unrelated individuals with hereditary leiomyomatosis and renal cell cancer (HLRCC) (PMID: 12761039 (2003), 24441663 (2014), 21630274 (2011), 21398687 (2011), 31636096 (2020), 19967458 (2010), 201618355 (2011), 19183173 (2009)) and papillary renal cell cancers (pRCC) (PMID: 25790038 (2015), 26900816 (2016)). Functional assays found reduced fumarase activity (PMID: 12761039 (2003), 21398687 (2011)). This pathogenic variant is also known as p.G354R (c.1060G>A) in the literature. Analysis of this variant using bioinformatics tools for the prediction of the effect of amino acid changes on protein structure and function yielded conflicting predictions that this variant is deleterious or benign. Based on the available information, this variant is classified as pathogenic.